The following is an entry in ClinVar:

ClinVar aggregate classification (germline): Uncertain significance. Review status: criteria provided, multiple submitters, no conflicts (2 of 4 stars). 3 submissions from 3 submitters: Uncertain significance (3). Last evaluated 2024-12-15.

Conditions:
Dilated cardiomyopathy 1W (CMD1W). Identifiers: Orphanet 154, MedGen C1969639, MONDO:0012667, OMIM 611407.

Allele frequency attached by ClinVar (database versions not stated): ExAC 0.00002; TOPMed 0.00002; gnomAD 0.00003; gnomAD exomes 0.00003 and 0.00004; ESP Exome Variant Server 0.00008.
gnomAD v4.1: 65 of 1,613,668 alleles (0.004%); highest among the groups gnomAD compares: Non-Finnish European, 0.0049%; no homozygotes.

Submissions (3):

Labcorp Genetics (formerly Invitae), Labcorp
Classification: Uncertain significance for Dilated cardiomyopathy 1W. Last evaluated: 2024-12-15. Review status: criteria provided, single submitter. Criteria: Invitae Variant Classification Sherloc (09022015). Collection method: clinical testing. Allele origin: germline.
Comment: This sequence change replaces alanine, which is neutral and non-polar, with valine, which is neutral and non-polar, at codon 615 of the VCL protein (p.Ala615Val). This variant is present in population databases (rs148669762, gnomAD 0.006%). This missense change has been observed in individual(s) with dilated cardiomyopathy (PMID: 27532257). ClinVar contains an entry for this variant (Variation ID: 45593). An algorithm developed to predict the effect of missense changes on protein structure and function (PolyPhen-2) suggests that this variant is likely to be disruptive. In summary, the available evidence is currently insufficient to determine the role of this variant in disease. Therefore, it has been classified as a Variant of Uncertain Significance.

GeneDx
Classification: Uncertain significance. Last evaluated: 2021-02-17. Review status: criteria provided, single submitter. Criteria: GeneDx Variant Classification Process June 2021. Collection method: clinical testing. Allele origin: germline. Affected: yes.
Comment: In silico analysis supports that this missense variant does not alter protein structure/function; This variant is associated with the following publications: (PMID: 24503780, 27066507, 27532257)

Laboratory for Molecular Medicine, Mass General Brigham Personalized Medicine
Classification: Uncertain significance. Last evaluated: 2012-06-07. Review status: criteria provided, single submitter. Criteria: LMM Criteria. Collection method: clinical testing. Allele origin: germline. Observed: 1 variant allele.
Comment: The Ala615Val variant in VCL has not been reported in the literature nor previou sly identified by our laboratory. This variant was identified in 1/7020 European American chromosomes from a broad population by the NHLBI Exome Sequencing Proj ect (dbSNP rs148669762). However, this could represent a presymptomatic individual in the general population. Computational a nalyses (biochemical amino acid properties, conservation, AlignGVGD, PolyPhen2, and SIFT) do not provide strong support for or against an impact to the protein. In summary, additional information is required to fully establish the pathogeni city of this variant.

Literature cited by the submitters: PubMed 27532257 (cited by Labcorp Genetics (formerly Invitae), Labcorp).

NM_014000.3(VCL):c.1844C>T (p.Ala615Val)

Gene: VCL (vinculin; plus strand). Cytogenetic location: 10q22.2.
Variant type: single nucleotide variant.
Coding change: c.1844C>T on transcript NM_014000.3 (MANE Select); coding-DNA position 1844, C replaced by T.
Protein change: p.Ala615Val; replaces alanine 615 with valine.
Molecular consequence: missense variant.
Genome position (GRCh38, 1-based): chr10:74,097,304, C>T. VCF-style: chr10-74097304-C-T. GRCh37 (hg19) VCF-style: chr10-75857062-C-T.
Other names: c.1844C>T, p.Ala615Val (NM_003373.4); short protein forms A615V.
Identifiers: ClinVar variation 45593 (VCV000045593.17), dbSNP rs148669762, ClinGen allele CA136733.